The following is an entry in ClinVar:

NM_015910.7(WDPCP):c.2178C>A (p.Asp726Glu)

Gene: WDPCP (WD repeat containing planar cell polarity effector; minus strand). Cytogenetic location: 2p15.
Variant type: single nucleotide variant.
Coding change: c.2178C>A on transcript NM_015910.7 (MANE Select); coding-DNA position 2178, C replaced by A.
Protein change: p.Asp726Glu; replaces aspartic acid 726 with glutamic acid.
Molecular consequence: missense variant. On other transcripts: non-coding transcript variant (3).
Genome position (GRCh38, 1-based): chr2:63,152,926, G>T on the plus strand (C>A on the coding strand, the complement: WDPCP is on the minus strand). VCF-style: chr2-63152926-G-T. GRCh37 (hg19) VCF-style: chr2-63380061-G-T.
Other names: c.1701C>A, p.Asp567Glu (NM_001042692.3); c.2106C>A, p.Asp702Glu (NM_001354044.2); short protein forms D726E, D702E, D567E.
Identifiers: ClinVar variation 4991999 (VCV004991999.1).

ClinVar aggregate classification (germline): Uncertain significance (1 of 4 stars; one submission).

Conditions:
WDPCP-related disorder. Also called: WDPCP-related condition.

Submission:

PreventionGenetics, part of Exact Sciences
Classification: Uncertain significance for WDPCP-related condition. Last evaluated: 2026-08-13. Review status: criteria provided, single submitter. Criteria: ACMG Guidelines, 2015. Collection method: clinical testing. Allele origin: germline.
Comment: The WDPCP c.2178C>A variant is predicted to result in the amino acid substitution p.Asp726Glu. To our knowledge, this variant has not been reported in the literature or in a large population database (gnomAD), indicating this variant is rare. At this time, the clinical significance of this variant is uncertain due to the absence of conclusive functional and genetic evidence.